The following is an entry in ClinVar:

NM_000465.4(BARD1):c.216-11T>C

Gene: BARD1 (BRCA1 associated RING domain 1; minus strand). Cytogenetic location: 2q35.
Variant type: single nucleotide variant.
Coding change: c.216-11T>C on transcript NM_000465.4 (MANE Select); 11 bases into the intron before coding-DNA position 216, T replaced by C.
Molecular consequence: intron variant.
Genome position (GRCh38, 1-based): chr2:214,792,456, A>G on the plus strand (T>C on the coding strand, the complement: BARD1 is on the minus strand). VCF-style: chr2-214792456-A-G. GRCh37 (hg19) VCF-style: chr2-215657180-A-G.
Other names: c.158+16956T>C (NM_001282548.2); c.159-11T>C (NM_001282543.2); c.215+4605T>C (NM_001282545.2); c.216-11T>C (NM_001282549.2).
Identifiers: ClinVar variation 1552813 (VCV001552813.10), dbSNP rs2106135656, ClinGen allele CA2573135135.

ClinVar aggregate classification (germline): Likely benign. Review status: criteria provided, multiple submitters, no conflicts (2 of 4 stars). 2 submissions from 2 submitters: Likely benign (2). Last evaluated 2024-07-19.

Conditions:
Familial cancer of breast. Also called: BREAST CANCER, FAMILIAL; hereditary breast carcinoma; Hereditary breast cancer. Identifiers: Orphanet 227535, MedGen C0346153, MONDO:0016419, OMIM 114480. Disease mechanism: loss of function.

Submissions (2):

Myriad Genetics, Inc.
Classification: Likely benign for Familial cancer of breast. Last evaluated: 2024-07-19. Review status: criteria provided, single submitter. Criteria: Myriad Autosomal Dominant, Autosomal Recessive and X-Linked Classification Criteria (2023). Collection method: clinical testing. Allele origin: unknown.
Comment: This variant is considered likely benign. This variant is intronic and is not expected to impact mRNA splicing.

Labcorp Genetics (formerly Invitae), Labcorp
Classification: Likely benign for Familial cancer of breast. Last evaluated: 2021-05-07. Review status: criteria provided, single submitter. Criteria: Invitae Variant Classification Sherloc (09022015). Collection method: clinical testing. Allele origin: germline.